The following is an entry in ClinVar:

NM_000052.7(ATP7A):c.360_363delinsAA (p.Gln121fs)

Gene: ATP7A (ATPase copper transporting alpha; plus strand). Cytogenetic location: Xq21.1.
Variant type: Indel.
Coding change: c.360_363delinsAA on transcript NM_000052.7 (MANE Select); coding-DNA positions 360 to 363, TCAG replaced by AA.
Protein change: p.Gln121fs; shifts the reading frame from glutamine 121.
Molecular consequence: frameshift variant.
Genome position (GRCh38, 1-based): chrX:77,988,481-77,988,484, TCAG replaced by AA. VCF-style: chrX-77988481-TCAG-AA. GRCh37 (hg19) VCF-style: chrX-77243977-TCAG-AA.
Other names: c.360_363delinsAA, p.Gln121fs (NM_001282224.2); short protein forms Q121fs.
Identifiers: ClinVar variation 1724300 (VCV001724300.3), dbSNP rs2522289755, ClinGen allele CA2580101439.

ClinVar aggregate classification (germline): Likely pathogenic (1 of 4 stars; one submission).

Conditions:
Menkes kinky-hair syndrome (MNK). Also called: Copper transport disease; Classic Menkes Disease; Menkes Disease. Identifiers: Orphanet 565, MedGen C0022716, MONDO:0010651, OMIM 309400.

Submission:

Myriad Genetics, Inc.
Classification: Likely pathogenic for Menkes kinky-hair syndrome. Last evaluated: 2022-02-05. Review status: criteria provided, single submitter. Criteria: Myriad Autosomal Dominant, Autosomal Recessive and X-Linked Classification Criteria (2023). Collection method: clinical testing. Allele origin: unknown.
Comment: NM_000052.5(ATP7A):c.360_363delTCAGinsAA(Q121Kfs*40) is expected to be pathogenic in the context of ATP7A-related disorders. This variant is predicted to lead to an abnormal or absent protein product due to the creation of a premature termination codon in ATP7A, a gene where loss-of-function variants are known to be pathogenic. Please note: this variant was assessed in the context of healthy population screening.